The following is an entry in ClinVar:

NM_005186.4(CAPN1):c.844-3T>C

Gene: CAPN1 (calpain 1; plus strand). Cytogenetic location: 11q13.1.
Variant type: single nucleotide variant.
Coding change: c.844-3T>C on transcript NM_005186.4 (MANE Select); 3 bases into the intron before coding-DNA position 844, T replaced by C.
Molecular consequence: intron variant.
Genome position (GRCh38, 1-based): chr11:65,187,952, T>C. VCF-style: chr11-65187952-T-C. GRCh37 (hg19) VCF-style: chr11-64955423-T-C.
Other names: p.?; c.844-3T>C (NM_001198868.2, NM_001198869.2).
Identifiers: ClinVar variation 4683631 (VCV004683631.1).

ClinVar aggregate classification (germline): Likely benign (1 of 4 stars; one submission).

gnomAD v4.1: 69 of 1,551,804 alleles (0.0044%); highest among the groups gnomAD compares: Non-Finnish European, 0.0057%; no homozygotes.

Submission:

Mayo Clinic Laboratories, Mayo Clinic
Classification: Likely benign. Last evaluated: 2025-09-30. Review status: criteria provided, single submitter. Criteria: ACMG Guidelines, 2015. Collection method: clinical testing. Allele origin: germline. Observed: 1 variant allele.
Comment: BP4, BP7